The following is an entry in ClinVar:

NM_001010892.3(RSPH4A):c.1001C>A (p.Thr334Lys)

Gene: RSPH4A (radial spoke head component 4A; plus strand). Cytogenetic location: 6q22.1.
Variant type: single nucleotide variant.
Coding change: c.1001C>A on transcript NM_001010892.3 (MANE Select); coding-DNA position 1001, C replaced by A.
Protein change: p.Thr334Lys; replaces threonine 334 with lysine.
Molecular consequence: missense variant.
Genome position (GRCh38, 1-based): chr6:116,627,708, C>A. VCF-style: chr6-116627708-C-A. GRCh37 (hg19) VCF-style: chr6-116948871-C-A.
Other names: c.1001C>A, p.Thr334Lys (NM_001161664.2); short protein forms T334K.
Identifiers: ClinVar variation 1422247 (VCV001422247.6), dbSNP rs149463940, ClinGen allele CA3970879.
Genomic context (GRCh38, chr6:116,627,708, plus strand): 5'-ATGTAATGGAGTCAGCTTTTTATTTTGAACAAGCTGGAGTTGGTTTGGGCACAGATGAGA[C>A]ATACCGCATATTTCTTGCCCTCAAGCAGCTTACTGATACCCACCCAATCCAAAGATGCCG-3'
Protein context (NP_001010892.1, residues 324-344): QAGVGLGTDE[Thr334Lys]YRIFLALKQL

ClinVar aggregate classification (germline): Uncertain significance. Review status: criteria provided, multiple submitters, no conflicts (2 of 4 stars). 2 submissions from 2 submitters: Uncertain significance (2). Last evaluated 2024-01-07.

Conditions:
Primary ciliary dyskinesia. Also called: Ciliary dyskinesia. Identifiers: Orphanet 244, MedGen C0008780, MONDO:0016575, HP:0012265.

Allele frequency attached by ClinVar (database versions not stated): ExAC 0.00002; gnomAD exomes 0.00003 and 0.00005; ESP Exome Variant Server 0.00023; gnomAD 0.00031 and 0.00033; TOPMed 0.00037.
gnomAD v4.1: 87 of 1,614,034 alleles (0.0054%); highest among the groups gnomAD compares: African/African-American, 0.11%; no homozygotes.

Submissions (2):

Labcorp Genetics (formerly Invitae), Labcorp
Classification: Uncertain significance for Primary ciliary dyskinesia. Last evaluated: 2024-01-07. Review status: criteria provided, single submitter. Criteria: Invitae Variant Classification Sherloc (09022015). Collection method: clinical testing. Allele origin: germline.
Comment: This sequence change replaces threonine, which is neutral and polar, with lysine, which is basic and polar, at codon 334 of the RSPH4A protein (p.Thr334Lys). This variant is present in population databases (rs149463940, gnomAD 0.08%). This variant has not been reported in the literature in individuals affected with RSPH4A-related conditions. ClinVar contains an entry for this variant (Variation ID: 1422247). Advanced modeling of protein sequence and biophysical properties (such as structural, functional, and spatial information, amino acid conservation, physicochemical variation, residue mobility, and thermodynamic stability) performed at Invitae indicates that this missense variant is not expected to disrupt RSPH4A protein function with a negative predictive value of 80%. In summary, the available evidence is currently insufficient to determine the role of this variant in disease. Therefore, it has been classified as a Variant of Uncertain Significance.

Ambry Genetics
Classification: Uncertain significance for Primary ciliary dyskinesia. Last evaluated: 2023-12-21. Review status: criteria provided, single submitter. Criteria: Ambry Variant Classification Scheme 2023. Collection method: clinical testing. Allele origin: germline.